The following is an entry in ClinVar:

ClinVar aggregate classification (germline): Uncertain significance (1 of 4 stars; one submission).

Conditions:
Periodic fever-infantile enterocolitis-autoinflammatory syndrome. Also called: Autoinflammation with infantile enterocolitis. Identifiers: Orphanet 436166, MedGen C4015067, MONDO:0014472, OMIM 616050.
Familial cold autoinflammatory syndrome 4 (FCAS4). Identifiers: Orphanet 47045, Orphanet 576349, MedGen C4015276, MONDO:0014498, OMIM 616115.

Allele frequency attached by ClinVar (database versions not stated): TOPMed 0.00001; ExAC 0.00001; gnomAD 0.00002.
gnomAD v4.1: 26 of 1,614,098 alleles (0.0016%); highest among the groups gnomAD compares: Non-Finnish European, 0.0021%; no homozygotes.

Submission:

Labcorp Genetics (formerly Invitae), Labcorp
Classification: Uncertain significance for Periodic fever-infantile enterocolitis-autoinflammatory syndrome; Familial cold autoinflammatory syndrome 4. Last evaluated: 2024-11-11. Review status: criteria provided, single submitter. Criteria: Invitae Variant Classification Sherloc (09022015). Collection method: clinical testing. Allele origin: germline.
Comment: This sequence change replaces isoleucine, which is neutral and non-polar, with threonine, which is neutral and polar, at codon 612 of the NLRC4 protein (p.Ile612Thr). This variant is present in population databases (rs766984217, gnomAD 0.002%). This variant has not been reported in the literature in individuals affected with NLRC4-related conditions. ClinVar contains an entry for this variant (Variation ID: 2160606). Invitae Evidence Modeling of protein sequence and biophysical properties (such as structural, functional, and spatial information, amino acid conservation, physicochemical variation, residue mobility, and thermodynamic stability) has been performed for this missense variant. However, the output from this modeling did not meet the statistical confidence thresholds required to predict the impact of this variant on NLRC4 protein function. In summary, the available evidence is currently insufficient to determine the role of this variant in disease. Therefore, it has been classified as a Variant of Uncertain Significance.

NM_001199138.2(NLRC4):c.1835T>C (p.Ile612Thr)

Gene: NLRC4 (NLR family CARD domain containing 4; minus strand). Cytogenetic location: 2p22.3.
Variant type: single nucleotide variant.
Coding change: c.1835T>C on transcript NM_001199138.2 (MANE Select); coding-DNA position 1835, T replaced by C.
Protein change: p.Ile612Thr; replaces isoleucine 612 with threonine.
Molecular consequence: missense variant. On other transcripts: intron variant (1).
Genome position (GRCh38, 1-based): chr2:32,250,029, A>G on the plus strand (T>C on the coding strand, the complement: NLRC4 is on the minus strand). VCF-style: chr2-32250029-A-G. GRCh37 (hg19) VCF-style: chr2-32475098-A-G.
Other names: c.1835T>C, p.Ile612Thr (NM_001199139.2, NM_021209.5); c.262+2390T>C (NM_001302504.1); short protein forms I612T.
Identifiers: ClinVar variation 2160606 (VCV002160606.4), dbSNP rs766984217, ClinGen allele CA1601915.